The following is an entry in ClinVar:

NM_005026.5(PIK3CD):c.2902C>T (p.Arg968Trp)

Gene: PIK3CD (phosphatidylinositol-4,5-bisphosphate 3-kinase catalytic subunit delta; plus strand). Cytogenetic location: 1p36.22.
Variant type: single nucleotide variant.
Coding change: c.2902C>T on transcript NM_005026.5 (MANE Select); coding-DNA position 2902, C replaced by T.
Protein change: p.Arg968Trp; replaces arginine 968 with tryptophan.
Molecular consequence: missense variant.
Genome position (GRCh38, 1-based): chr1:9,724,841, C>T. VCF-style: chr1-9724841-C-T. GRCh37 (hg19) VCF-style: chr1-9784899-C-T.
Other names: c.2899C>T, p.Arg967Trp (NM_001350234.2); c.2815C>T, p.Arg939Trp (NM_001350235.1); short protein forms R967W, R968W, R939W.
Identifiers: ClinVar variation 3716764 (VCV003716764.2).

ClinVar aggregate classification (germline): Uncertain significance (1 of 4 stars; one submission).

Conditions:
Immunodeficiency 14 (IMD14A). Also called: IMMUNODEFICIENCY 14A WITH LYMPHOPROLIFERATION, AUTOSOMAL DOMINANT; p110-DELTA-ACTIVATING MUTATION CAUSING SENESCENT T CELLS, LYMPHADENOPATHY, AND IMMUNODEFICIENCY; ACTIVATED PI3K-DELTA SYNDROME 1; Activated PI3K Delta Syndrome Type 1 (APDS1). Identifiers: Orphanet 397596, Orphanet 693661, MedGen C5907821, MONDO:0014222, OMIM 615513.

gnomAD v4.1: 2 of 1,613,874 alleles (0.00012%); highest among the groups gnomAD compares: South Asian, 0.0011%; no homozygotes.

Submission:

Labcorp Genetics (formerly Invitae), Labcorp
Classification: Uncertain significance for Activated PI3K-delta syndrome. Last evaluated: 2024-04-13. Review status: criteria provided, single submitter. Criteria: Invitae Variant Classification Sherloc (09022015). Collection method: clinical testing. Allele origin: germline.
Comment: This sequence change replaces arginine, which is basic and polar, with tryptophan, which is neutral and slightly polar, at codon 968 of the PIK3CD protein (p.Arg968Trp). This variant is present in population databases (rs768257375, gnomAD 0.003%). This variant has not been reported in the literature in individuals affected with PIK3CD-related conditions. Advanced modeling of protein sequence and biophysical properties (such as structural, functional, and spatial information, amino acid conservation, physicochemical variation, residue mobility, and thermodynamic stability) performed at Invitae indicates that this missense variant is not expected to disrupt PIK3CD protein function with a negative predictive value of 80%. In summary, the available evidence is currently insufficient to determine the role of this variant in disease. Therefore, it has been classified as a Variant of Uncertain Significance.